The following is an entry in ClinVar:

NM_000135.4(FANCA):c.1622C>A (p.Thr541Asn)

Gene: FANCA (FA complementation group A; minus strand). Cytogenetic location: 16q24.3.
Variant type: single nucleotide variant.
Coding change: c.1622C>A on transcript NM_000135.4 (MANE Select); coding-DNA position 1622, C replaced by A.
Protein change: p.Thr541Asn; replaces threonine 541 with asparagine.
Molecular consequence: missense variant.
Genome position (GRCh38, 1-based): chr16:89,782,863, G>T on the plus strand (C>A on the coding strand, the complement: FANCA is on the minus strand). VCF-style: chr16-89782863-G-T. GRCh37 (hg19) VCF-style: chr16-89849271-G-T.
Other names: c.1622C>A, p.Thr541Asn (NM_001286167.3); short protein forms T541N.
Identifiers: ClinVar variation 835965 (VCV000835965.5), dbSNP rs775853544, ClinGen allele CA8252227.
Genomic context (GRCh38, chr16:89,782,863, plus strand): 5'-ACCTTTGCATGGTGGGCGTGACTGGCTGAGACCCTGCAGGGCTCAAGCAACATTACCTCA[G>T]TAATGTCCCCAGCTGATGACAAATCCTCGTAGAGTCCCATGTTTTCTATAGAAACCTTCA-3'
Protein context (NP_000126.2, residues 531-551): YEDLSSAGDI[Thr541Asn]EPHSQALQDV

ClinVar aggregate classification (germline): Uncertain significance. Review status: criteria provided, multiple submitters, no conflicts (2 of 4 stars). 2 submissions from 2 submitters: Uncertain significance (2). Last evaluated 2024-07-04.

Conditions:
Fanconi anemia (FA). Also called: Fanconi's anemia. Identifiers: Orphanet 84, MedGen C0015625, MeSH D005199, MONDO:0019391.

Allele frequency attached by ClinVar (database versions not stated): gnomAD 0.00001; ExAC 0.00002; gnomAD exomes 0.00001.
gnomAD v4.1: 8 of 1,613,724 alleles (0.0005%); highest among the groups gnomAD compares: African/African-American, 0.0013%; no homozygotes.

Submissions (2):

Labcorp Genetics (formerly Invitae), Labcorp
Classification: Uncertain significance for Fanconi anemia. Last evaluated: 2024-07-04. Review status: criteria provided, single submitter. Criteria: Invitae Variant Classification Sherloc (09022015). Collection method: clinical testing. Allele origin: germline.
Comment: This sequence change replaces threonine, which is neutral and polar, with asparagine, which is neutral and polar, at codon 541 of the FANCA protein (p.Thr541Asn). This variant is present in population databases (rs775853544, gnomAD 0.0009%). This variant has not been reported in the literature in individuals affected with FANCA-related conditions. ClinVar contains an entry for this variant (Variation ID: 835965). Advanced modeling of protein sequence and biophysical properties (such as structural, functional, and spatial information, amino acid conservation, physicochemical variation, residue mobility, and thermodynamic stability) performed at Invitae indicates that this missense variant is not expected to disrupt FANCA protein function with a negative predictive value of 80%. In summary, the available evidence is currently insufficient to determine the role of this variant in disease. Therefore, it has been classified as a Variant of Uncertain Significance.

GeneDx
Classification: Uncertain significance. Last evaluated: 2022-02-25. Review status: criteria provided, single submitter. Criteria: GeneDx Variant Classification Process June 2021. Collection method: clinical testing. Allele origin: germline. Affected: yes.
Comment: Not observed at significant frequency in large population cohorts (gnomAD); In silico analysis supports that this missense variant does not alter protein structure/function; Has not been previously published as pathogenic or benign to our knowledge